The following is an entry in ClinVar:

NM_001080477.4(TENM3):c.7522C>A (p.Arg2508Ser)

Gene: TENM3 (teneurin transmembrane protein 3; plus strand). Cytogenetic location: 4q35.1.
Variant type: single nucleotide variant.
Coding change: c.7522C>A on transcript NM_001080477.4 (MANE Select); coding-DNA position 7522, C replaced by A.
Protein change: p.Arg2508Ser; replaces arginine 2508 with serine.
Molecular consequence: missense variant.
Genome position (GRCh38, 1-based): chr4:182,799,773, C>A. VCF-style: chr4-182799773-C-A. GRCh37 (hg19) VCF-style: chr4-183720926-C-A.
Other names: c.6754C>A, p.Arg2252Ser (NM_001415960.1); c.6727C>A, p.Arg2243Ser (NM_001415961.1); c.6724C>A, p.Arg2242Ser (NM_001415962.1); c.6706C>A, p.Arg2236Ser (NM_001415963.1); c.6703C>A, p.Arg2235Ser (NM_001415964.1); c.7240C>A, p.Arg2414Ser (NM_001415966.1); c.7264C>A, p.Arg2422Ser (NM_001415967.1); c.7540C>A, p.Arg2514Ser (NM_001415968.1); and 4 more; short protein forms R2243S, R2415S, R2514S, R2414S, R2242S, R2252S, R2508S, R2235S.
Identifiers: ClinVar variation 2091425 (VCV002091425.4), dbSNP rs1411090074, ClinGen allele CA358840466.

ClinVar aggregate classification (germline): Uncertain significance (1 of 4 stars; one submission).

gnomAD v4.1: 1 of 1,586,884 alleles (0.000063%); highest among the groups gnomAD compares: South Asian, 0.0012%; no homozygotes.

Submission:

Labcorp Genetics (formerly Invitae), Labcorp
Classification: Uncertain significance. Last evaluated: 2022-02-18. Review status: criteria provided, single submitter. Criteria: Invitae Variant Classification Sherloc (09022015). Collection method: clinical testing. Allele origin: germline.
Comment: This variant has not been reported in the literature in individuals affected with TENM3-related conditions. This sequence change replaces arginine, which is basic and polar, with serine, which is neutral and polar, at codon 2508 of the TENM3 protein (p.Arg2508Ser). The frequency data for this variant in the population databases is considered unreliable, as metrics indicate poor data quality at this position in the gnomAD database. Algorithms developed to predict the effect of missense changes on protein structure and function (SIFT, PolyPhen-2, Align-GVGD) all suggest that this variant is likely to be tolerated. In summary, the available evidence is currently insufficient to determine the role of this variant in disease. Therefore, it has been classified as a Variant of Uncertain Significance.